The following is an entry in ClinVar:

ClinVar aggregate classification (germline): Pathogenic (1 of 4 stars; one submission).

Submission:

Clinical Genomics Laboratory, Laboratory for Precision Diagnostics, University of Washington
Classification: Pathogenic. Last evaluated: 2024-01-05. Review status: criteria provided, single submitter. Criteria: ACMG/ClinGen CNV Guidelines, 2019. Collection method: clinical testing. Allele origin: unknown. Affected: yes. Observed: 1 variant allele.
Comment: This interstitial deletion is approximately 21.5 Mb in size and contains 145 protein-coding genes, including FBN1 and TCF12. Heterozygous loss of function variants in FBN1, including whole-gene deletions, cause Marfan syndrome. Heterozygous loss-of-function variants in TCF12 cause a form of craniosynostosis. A few individuals with similar large deletions in 15q have been described in the medical literature. Clinical features seen in common include craniosynostosis, distinctive facial features, long fingers, overlapping toes, hypotonia, global developmental delay and severe intellectual disability. One person with a similar deletion had tetralogy of Fallot (PMID: 12884436). DECIPHER patient 394319 has a de novo deletion that largely overlaps the one found in this fetus (GRCh38 15:39720507-58920509). Clinical features were low-set ears, macrotia, cryptorchidism, short stature, distinctive facial features, rocker bottom foot, single transverse palmar crease, craniosynostosis, hypotonia, microcephaly, micrognathia, and intellectual disability.

Literature cited by the submitters: PubMed 22302515; PubMed 2368808; PubMed 18449934; PubMed 12884436.

GRCh38/hg38 15q15.3-22.31(chr15:44081689-65611060)x1

Genes: ADAM10 (ADAM metallopeptidase domain 10; minus strand), AFG2B (AAA ATPase AFG2B; plus strand), ALDH1A2 (aldehyde dehydrogenase 1 family member A2; minus strand), ALDH1A2-AS1 (ALDH1A2 antisense RNA 1; plus strand), ANKDD1A (ankyrin repeat and death domain containing 1A; plus strand) and 730 more. Cytogenetic location: 15q15.3-22.31.
Variant type: copy number loss.
Change: copy number 1 (one copy instead of two) of chr15:44,081,689-65,611,060 (21.53 Mb, GRCh38 coordinates, 1-based), cytogenetic band 15q15.3-22.31.
Identifiers: ClinVar variation 4890972 (VCV004890972.1).